The following is an entry in ClinVar:

ClinVar aggregate classification (germline): Uncertain significance (1 of 4 stars; one submission).

Submission:

Labcorp Genetics (formerly Invitae), Labcorp
Classification: Uncertain significance. Last evaluated: 2022-12-04. Review status: criteria provided, single submitter. Criteria: Invitae Variant Classification Sherloc (09022015). Collection method: clinical testing. Allele origin: germline.
Comment: In summary, the available evidence is currently insufficient to determine the role of this variant in disease. Therefore, it has been classified as a Variant of Uncertain Significance. Variants that disrupt the consensus splice site are a relatively common cause of aberrant splicing (PMID: 17576681, 9536098). Algorithms developed to predict the effect of sequence changes on RNA splicing suggest that this variant may disrupt the consensus splice site. This variant has not been reported in the literature in individuals affected with NDUFB11-related conditions. This variant is not present in population databases (gnomAD no frequency). This sequence change falls in intron 2 of the NDUFB11 gene. It does not directly change the encoded amino acid sequence of the NDUFB11 protein. It affects a nucleotide within the consensus splice site.

Literature cited by the submitters: PubMed 17576681; PubMed 9536098.

NM_001135998.3(NDUFB11):c.338+33A>G

Gene: NDUFB11 (NADH:ubiquinone oxidoreductase subunit B11; minus strand). Cytogenetic location: Xp11.3.
Variant type: single nucleotide variant.
Coding change: c.338+33A>G on transcript NM_001135998.3 (MANE Select); 33 bases into the intron after coding-DNA position 338, A replaced by G.
Molecular consequence: intron variant.
Genome position (GRCh38, 1-based): chrX:47,142,581, T>C on the plus strand (A>G on the coding strand, the complement: NDUFB11 is on the minus strand). VCF-style: chrX-47142581-T-C. GRCh37 (hg19) VCF-style: chrX-47001980-T-C.
Other names: c.368+3A>G (NM_019056.7).
Identifiers: ClinVar variation 2887553 (VCV002887553.3), dbSNP rs2520209666, ClinGen allele CA2739273477.